The following is an entry in ClinVar:

NM_000051.4(ATM):c.6348-8T>C

Genes: ATM (ATM serine/threonine kinase; plus strand), C11orf65 (chromosome 11 open reading frame 65; minus strand). Cytogenetic location: 11q22.3.
Variant type: single nucleotide variant.
Coding change: c.6348-8T>C on transcript NM_000051.4 (MANE Select); 8 bases into the intron before coding-DNA position 6348, T replaced by C.
Molecular consequence: intron variant.
Genome position (GRCh38, 1-based): chr11:108,319,946, T>C. VCF-style: chr11-108319946-T-C. GRCh37 (hg19) VCF-style: chr11-108190673-T-C.
Other names: c.6348-8T>C (NM_001351834.2); c.641-10875A>G (NM_001330368.2); c.*39-10875A>G (NM_001351110.2).
Identifiers: ClinVar variation 181863 (VCV000181863.37), dbSNP rs730881292, ClinGen allele CA298007.

ClinVar aggregate classification (germline): Benign/Likely benign. Review status: criteria provided, multiple submitters, no conflicts (2 of 4 stars). 14 submissions from 14 submitters: Benign (10); Likely benign (4). Last evaluated 2026-06-01.

Conditions:
Hereditary cancer-predisposing syndrome. Also called: Hereditary Cancer Syndrome; Tumor predisposition; Neoplastic Syndromes, Hereditary; Hereditary neoplastic syndrome. Identifiers: Orphanet 140162, MedGen C0027672, MeSH D009386, MONDO:0015356.
Familial cancer of breast. Also called: hereditary breast carcinoma; BREAST CANCER, FAMILIAL; Hereditary breast cancer. Identifiers: Orphanet 227535, MedGen C0346153, MONDO:0016419, OMIM 114480. Disease mechanism: loss of function.
Ataxia-telangiectasia syndrome (AT). Also called: ATAXIA-TELANGIECTASIA, COMPLEMENTATION GROUP A; ATAXIA-TELANGIECTASIA, FRESNO VARIANT; Ataxia-telangiectasia; Ataxia-telangiectasia, complementation group E; Cerebello-oculocutaneous telangiectasia; Immunodeficiency with ataxia telangiectasia. Identifiers: Orphanet 100, MedGen C0004135, MONDO:0008840, OMIM 208900.

Allele frequency attached by ClinVar (database versions not stated): gnomAD 0.00011; ExAC 0.00079; TOPMed 0.00049; gnomAD exomes 0.00102 and 0.00020.
gnomAD v4.1: 291 of 1,591,246 alleles (0.018%); highest among the groups gnomAD compares: Admixed American, 0.46%; 3 homozygotes.

Submissions (14):

CeGaT Center for Human Genetics Tuebingen
Classification: Likely benign. Last evaluated: 2026-06-01. Review status: criteria provided, single submitter. Criteria: CeGaT Center For Human Genetics Tuebingen Variant Classification Criteria Version 2. Collection method: clinical testing. Allele origin: germline. Affected: yes. Observed: 3 variant alleles.
Comment: ATM: BP4, BS2

Labcorp Genetics (formerly Invitae), Labcorp
Classification: Benign for Ataxia-telangiectasia syndrome. Last evaluated: 2026-02-03. Review status: criteria provided, single submitter. Criteria: Invitae Variant Classification Sherloc (09022015). Collection method: clinical testing. Allele origin: germline.

Center for Genomic Medicine, Rigshospitalet, Copenhagen University Hospital
Classification: Likely benign. Last evaluated: 2025-03-04. Review status: criteria provided, single submitter. Criteria: ACMG Guidelines, 2015. Collection method: clinical testing. Allele origin: germline.

ARUP Laboratories, Molecular Genetics and Genomics, ARUP Laboratories
Classification: Benign. Last evaluated: 2024-11-06. Review status: criteria provided, single submitter. Criteria: ARUP Molecular Germline Variant Investigation Process 2024. Collection method: clinical testing. Allele origin: germline.

Blueprint Genetics
Classification: Likely benign. Last evaluated: 2024-09-20. Review status: criteria provided, single submitter. Criteria: ACMG Guidelines, 2015. Collection method: clinical testing. Allele origin: germline.

Myriad Genetics, Inc.
Classification: Benign for Familial cancer of breast. Last evaluated: 2024-06-05. Review status: criteria provided, single submitter. Criteria: Myriad Autosomal Dominant, Autosomal Recessive and X-Linked Classification Criteria (2023). Collection method: clinical testing. Allele origin: unknown.
Comment: This variant is considered benign. This variant is intronic and is not expected to impact mRNA splicing. This variant has been observed at a population frequency that is significantly greater than expected given the associated disease prevalence and penetrance.

Sema4
Classification: Benign for Hereditary cancer-predisposing syndrome. Last evaluated: 2020-08-10. Review status: criteria provided, single submitter. Criteria: Sema4 Curation Guidelines. Collection method: curation. Allele origin: germline.

Genetic Services Laboratory, University of Chicago
Classification: Likely benign. Last evaluated: 2019-12-17. Review status: criteria provided, single submitter. Criteria: ACMG Guidelines, 2015. Collection method: clinical testing. Allele origin: germline. Affected: no.

Athena Diagnostics
Classification: Benign. Last evaluated: 2019-06-12. Review status: criteria provided, single submitter. Criteria: Athena Diagnostics Criteria. Collection method: clinical testing. Allele origin: germline.

Quest Diagnostics Nichols Institute San Juan Capistrano
Classification: Benign. Last evaluated: 2019-06-12. Review status: criteria provided, single submitter. Criteria: Quest Diagnostics criteria. Collection method: clinical testing. Allele origin: unknown.

Women's Health and Genetics/Laboratory Corporation of America, LabCorp
Classification: Benign. Last evaluated: 2018-04-30. Review status: criteria provided, single submitter. Criteria: LabCorp Variant Classification Summary - May 2015. Collection method: clinical testing. Allele origin: germline.
Comment: Variant summary: ATM c.6348-8T>C alters a non-conserved nucleotide located close to a canonical splice site and therefore could affect mRNA splicing, leading to a significantly altered protein sequence. 5/5 computational tools predict no significant impact on normal splicing. However, these predictions have yet to be confirmed by functional studies. The variant allele was found at a frequency of 0.0009 in 274672 control chromosomes, predominantly at a frequency of 0.0069 within the Latino subpopulation in the gnomAD database, including 2 homozygotes. The observed variant frequency within Latino control individuals in the gnomAD database is approximately 6.9 fold of the estimated maximal expected allele frequency for a pathogenic variant in ATM causing Breast Cancer phenotype (0.001), strongly suggesting that the variant is a benign polymorphism found primarily in populations of Latino origin. c.6348-8T>C has been reported in the literature in individuals affected with HBOC. These report(s) do not provide unequivocal conclusions about association of the variant with Ataxia-Telangiectasia. Co-occurrences with other pathogenic variant(s) have been reported (BRCA1 c.2090dupT, p.Glu699Argfs*13), providing supporting evidence for a benign role. To our knowledge, no experimental evidence demonstrating an impact on protein function has been reported. Two clinical diagnostic laboratories have submitted clinical-significance assessments for this variant to ClinVar after 2014 without evidence for independent evaluation. All laboratories classified the variant as benign. Based on the evidence outlined above, the variant was classified as benign.

PreventionGenetics, part of Exact Sciences
Classification: Benign. Last evaluated: 2016-12-12. Review status: criteria provided, single submitter. Criteria: ACMG Guidelines, 2015. Collection method: clinical testing. Allele origin: germline.

Color Diagnostics, LLC DBA Color Health
Classification: Benign for Hereditary cancer-predisposing syndrome. Last evaluated: 2016-06-28. Review status: criteria provided, single submitter. Criteria: ACMG Guidelines, 2015. Collection method: clinical testing. Allele origin: germline.

GeneDx
Classification: Benign. Last evaluated: 2014-09-26. Review status: criteria provided, single submitter. Criteria: GeneDx Variant Classification (06012015). Collection method: clinical testing. Allele origin: germline. Affected: yes.
Comment: This variant is considered likely benign or benign based on one or more of the following criteria: it is a conservative change, it occurs at a poorly conserved position in the protein, it is predicted to be benign by multiple in silico algorithms, and/or has population frequency not consistent with disease.

Literature cited by the submitters: PubMed 28779002 (cited by Women's Health and Genetics/Laboratory Corporation of America, LabCorp); PubMed 25186627 (cited by Women's Health and Genetics/Laboratory Corporation of America, LabCorp).